The following is an entry in ClinVar:

NM_003680.4(YARS1):c.893A>G (p.Asp298Gly)

Genes: YARS1 (tyrosyl-tRNA synthetase 1; minus strand), LOC126805688 (BRD4-independent group 4 enhancer GRCh37_chr1:33251929-33253128; plus strand). Cytogenetic location: 1p35.1.
Variant type: single nucleotide variant.
Coding change: c.893A>G on transcript NM_003680.4 (MANE Select); coding-DNA position 893, A replaced by G.
Protein change: p.Asp298Gly; replaces aspartic acid 298 with glycine.
Molecular consequence: missense variant.
Genome position (GRCh38, 1-based): chr1:32,786,375, T>C on the plus strand (A>G on the coding strand, the complement: YARS1 is on the minus strand). VCF-style: chr1-32786375-T-C. GRCh37 (hg19) VCF-style: chr1-33251976-T-C.
Other names: short protein forms D298G.
Identifiers: ClinVar variation 1800447 (VCV001800447.2), dbSNP rs1345151407, ClinGen allele CA339684181.
Genomic context (GRCh38, chr1:32,786,375, plus strand): 5'-ACAAAATACAGATCTTCATGAAAGGATTCCTTTTCCTTTCATGTTACCTCAGCAGCAAAG[T>C]CCTTTTCCAGGTCCACGTAAGCTGTGTAGGTTTTGTTTCCACCCCATTTCTCATCTCGTA-3'
Protein context (NP_003671.1, residues 288-308): TYTAYVDLEK[Asp298Gly]FAAEVVHPGD

ClinVar aggregate classification (germline): Uncertain significance (1 of 4 stars; one submission).

Conditions:
Inborn genetic diseases. Identifiers: MedGen C0950123, MeSH D030342.

Allele frequency attached by ClinVar (database versions not stated): gnomAD exomes below 0.00001; TOPMed below 0.00001.
gnomAD v4.1: 2 of 1,613,942 alleles (0.00012%); highest among the groups gnomAD compares: Non-Finnish European, 0.00017%; no homozygotes.

Submission:

Ambry Genetics
Classification: Uncertain significance for Inborn genetic diseases. Last evaluated: 2019-12-03. Review status: criteria provided, single submitter. Criteria: Ambry Variant Classification Scheme 2023. Collection method: clinical testing. Allele origin: germline.
Comment: The p.D298G variant (also known as c.893A>G), located in coding exon 8 of the YARS gene, results from an A to G substitution at nucleotide position 893. The aspartic acid at codon 298 is replaced by glycine, an amino acid with similar properties. This amino acid position is highly conserved in available vertebrate species. In addition, this alteration is predicted to be deleterious by in silico analysis. Since supporting evidence is limited at this time, the clinical significance of this alteration remains unclear.